The following is an entry in ClinVar:

NM_001103.4(ACTN2):c.698-248del

Gene: ACTN2 (actinin alpha 2; plus strand). Cytogenetic location: 1q43.
Variant type: Deletion.
Coding change: c.698-248del on transcript NM_001103.4 (MANE Select); 248 bases into the intron before coding-DNA position 698, one base deleted (G; older notation c.698-248delG).
Molecular consequence: intron variant.
Genome position (GRCh38, 1-based): chr1:236,735,387, G deleted; the last of 4 consecutive G bases (chr1:236,735,384-236,735,387); deleting any one gives the same sequence. VCF-style (leftmost placement, unchanged base first): chr1-236735383-AG-A. GRCh37 (hg19) VCF-style: chr1-236898683-AG-A.
Other names: c.-38-248del (NM_001278344.2); c.783+869del (NM_001278343.2).
Identifiers: ClinVar variation 678707 (VCV000678707.1), dbSNP rs143344656, ClinGen allele CA39722134.
Genomic context (GRCh38, chr1:236,735,383, plus strand): 5'-GATCTGCAACAGACCAGGTTTCCATGTGAAAGCATTGAATGCACCTTTAAAAGCCCATCA[AG>A]GGGTGGGGGAGAAAACAAGCCCTCAGTTTGATCCTTAAAAAACATGCTGGCTCAAACCAT-3'

ClinVar aggregate classification (germline): Benign (1 of 4 stars; one submission).

Submission:

GeneDx
Classification: Benign. Last evaluated: 2018-06-14. Review status: criteria provided, single submitter. Criteria: GeneDx Variant Classification (06012015). Collection method: clinical testing. Allele origin: germline. Affected: yes.
Comment: This variant is considered likely benign or benign based on one or more of the following criteria: it is a conservative change, it occurs at a poorly conserved position in the protein, it is predicted to be benign by multiple in silico algorithms, and/or has population frequency not consistent with disease.